The following is an entry in ClinVar:

NM_053274.3(GLMN):c.349C>G (p.Gln117Glu)

Gene: GLMN (glomulin, FKBP associated protein; minus strand). Cytogenetic location: 1p22.1.
Variant type: single nucleotide variant.
Coding change: c.349C>G on transcript NM_053274.3 (MANE Select); coding-DNA position 349, C replaced by G.
Protein change: p.Gln117Glu; replaces glutamine 117 with glutamic acid.
Molecular consequence: missense variant. On other transcripts: non-coding transcript variant (1).
Genome position (GRCh38, 1-based): chr1:92,290,243, G>C on the plus strand (C>G on the coding strand, the complement: GLMN is on the minus strand). VCF-style: chr1-92290243-G-C. GRCh37 (hg19) VCF-style: chr1-92755800-G-C.
Other names: c.349C>G, p.Gln117Glu (NM_001319683.2); short protein forms Q117E.
Identifiers: ClinVar variation 3906293 (VCV003906293.2).

ClinVar aggregate classification (germline): Uncertain significance. Review status: criteria provided, multiple submitters, no conflicts (2 of 4 stars). 2 submissions from 2 submitters: Uncertain significance (2). Last evaluated 2025-10-29.

Conditions:
Inborn genetic diseases. Identifiers: MedGen C0950123, MeSH D030342.

gnomAD v4.1: 134 of 1,610,318 alleles (0.0083%); highest among the groups gnomAD compares: South Asian, 0.14%; 2 homozygotes.

Submissions (2):

Ambry Genetics
Classification: Uncertain significance for Inborn genetic diseases. Last evaluated: 2025-10-29. Review status: criteria provided, single submitter. Criteria: Ambry Variant Classification Scheme 2023. Collection method: clinical testing. Allele origin: germline.

GeneDx
Classification: Uncertain significance. Last evaluated: 2024-12-18. Review status: criteria provided, single submitter. Criteria: GeneDx Variant Classification Process June 2021. Collection method: clinical testing. Allele origin: germline. Affected: yes.
Comment: In silico analysis indicates that this missense variant does not alter protein structure/function; Has not been previously published as pathogenic or benign to our knowledge